The following is an entry in ClinVar:

NM_182961.4(SYNE1):c.2728A>T (p.Ser910Cys)

Gene: SYNE1 (spectrin repeat containing nuclear envelope protein 1; minus strand). Cytogenetic location: 6q25.2.
Variant type: single nucleotide variant.
Coding change: c.2728A>T on transcript NM_182961.4 (MANE Select); coding-DNA position 2728, A replaced by T.
Protein change: p.Ser910Cys; replaces serine 910 with cysteine.
Molecular consequence: missense variant.
Genome position (GRCh38, 1-based): chr6:152,455,590, T>A on the plus strand (A>T on the coding strand, the complement: SYNE1 is on the minus strand). VCF-style: chr6-152455590-T-A. GRCh37 (hg19) VCF-style: chr6-152776725-T-A.
Other names: c.2749A>T, p.Ser917Cys (NM_033071.5); short protein forms S910C, S917C.
Identifiers: ClinVar variation 448596 (VCV000448596.9), dbSNP rs141214076, ClinGen allele CA4059035.

ClinVar aggregate classification (germline): Uncertain significance. Review status: criteria provided, multiple submitters, no conflicts (2 of 4 stars). 2 submissions from 2 submitters: Uncertain significance (2). Last evaluated 2022-07-12.

Conditions:
Emery-Dreifuss muscular dystrophy 4, autosomal dominant (EDMD4). Also called: EMERY-DREIFUSS MUSCULAR DYSTROPHY 4 WITH VARIABLE FEATURES. Identifiers: Orphanet 261, MedGen C2751807, MONDO:0013071, OMIM 612998.
Autosomal recessive ataxia, Beauce type. Also called: Spinocerebellar ataxia, autosomal recessive 8; ATAXIA, RECESSIVE, OF BEAUCE; SYNE1-Related Autosomal Recessive Cerebellar Ataxia; SYNE1 Deficiency. Identifiers: Orphanet 88644, MedGen C1853116, MONDO:0012549, OMIM 610743.

Allele frequency attached by ClinVar (database versions not stated): TOPMed 0.00001.
gnomAD v4.1: 16 of 1,614,048 alleles (0.00099%); highest among the groups gnomAD compares: East Asian, 0.033%; no homozygotes.

Submissions (2):

Labcorp Genetics (formerly Invitae), Labcorp
Classification: Uncertain significance for Emery-Dreifuss muscular dystrophy 4, autosomal dominant; Autosomal recessive ataxia, Beauce type. Last evaluated: 2022-07-12. Review status: criteria provided, single submitter. Criteria: Invitae Variant Classification Sherloc (09022015). Collection method: clinical testing. Allele origin: germline.
Comment: Algorithms developed to predict the effect of missense changes on protein structure and function are either unavailable or do not agree on the potential impact of this missense change (SIFT: "Deleterious"; PolyPhen-2: "Possibly Damaging"; Align-GVGD: "Class C0"). ClinVar contains an entry for this variant (Variation ID: 448596). This variant has not been reported in the literature in individuals affected with SYNE1-related conditions. This variant is present in population databases (rs141214076, gnomAD 0.08%). This sequence change replaces serine, which is neutral and polar, with cysteine, which is neutral and slightly polar, at codon 917 of the SYNE1 protein (p.Ser917Cys). In summary, the available evidence is currently insufficient to determine the role of this variant in disease. Therefore, it has been classified as a Variant of Uncertain Significance.

Athena Diagnostics
Classification: Uncertain significance. Last evaluated: 2017-05-04. Review status: criteria provided, single submitter. Criteria: Athena Diagnostics Criteria. Collection method: clinical testing. Allele origin: germline.